The following is an entry in ClinVar:

NM_032119.4(ADGRV1):c.5665-10T>C

Gene: ADGRV1 (adhesion G protein-coupled receptor V1; plus strand). Cytogenetic location: 5q14.3.
Variant type: single nucleotide variant.
Coding change: c.5665-10T>C on transcript NM_032119.4 (MANE Select); 10 bases into the intron before coding-DNA position 5665, T replaced by C.
Molecular consequence: intron variant.
Genome position (GRCh38, 1-based): chr5:90,683,576, T>C. VCF-style: chr5-90683576-T-C. GRCh37 (hg19) VCF-style: chr5-89979393-T-C.
Identifiers: ClinVar variation 941669 (VCV000941669.7), dbSNP rs1226461304, ClinGen allele CA561259600.

ClinVar aggregate classification (germline): Uncertain significance (1 of 4 stars; one submission).

Allele frequency attached by ClinVar (database versions not stated): gnomAD 0.00001; gnomAD exomes 0.00001 and 0.00002; TOPMed 0.00002.
gnomAD v4.1: 33 of 1,558,456 alleles (0.0021%); highest among the groups gnomAD compares: Non-Finnish European, 0.0028%; no homozygotes.

Submission:

Labcorp Genetics (formerly Invitae), Labcorp
Classification: Uncertain significance. Last evaluated: 2022-02-08. Review status: criteria provided, single submitter. Criteria: Invitae Variant Classification Sherloc (09022015). Collection method: clinical testing. Allele origin: germline.
Comment: This sequence change falls in intron 27 of the ADGRV1 gene. It does not directly change the encoded amino acid sequence of the ADGRV1 protein. This variant is present in population databases (no rsID available, gnomAD 0.002%). This variant has not been reported in the literature in individuals affected with ADGRV1-related conditions. ClinVar contains an entry for this variant (Variation ID: 941669). Algorithms developed to predict the effect of sequence changes on RNA splicing suggest that this variant may disrupt the consensus splice site. In summary, the available evidence is currently insufficient to determine the role of this variant in disease. Therefore, it has been classified as a Variant of Uncertain Significance.